The following is an entry in ClinVar:

ClinVar aggregate classification (germline): Uncertain significance (1 of 4 stars; one submission).

Conditions:
Hereditary cancer-predisposing syndrome. Also called: Tumor predisposition; Hereditary neoplastic syndrome; Hereditary Cancer Syndrome; Neoplastic Syndromes, Hereditary. Identifiers: Orphanet 140162, MedGen C0027672, MeSH D009386, MONDO:0015356.

Allele frequency attached by ClinVar (database versions not stated): TOPMed below 0.00001; gnomAD 0.00001.
gnomAD v4.1: 1 of 1,613,030 alleles (0.000062%); highest among the groups gnomAD compares: Non-Finnish European, 0.000085%; no homozygotes.

Submission:

Ambry Genetics
Classification: Uncertain significance for Hereditary cancer-predisposing syndrome. Last evaluated: 2023-11-18. Review status: criteria provided, single submitter. Criteria: Ambry Variant Classification Scheme 2023. Collection method: clinical testing. Allele origin: germline.
Comment: The p.S3P variant (also known as c.7T>C), located in coding exon 1 of the PRKAR1A gene, results from a T to C substitution at nucleotide position 7. The serine at codon 3 is replaced by proline, an amino acid with similar properties. This amino acid position is conserved. In addition, the in silico prediction for this alteration is inconclusive. Since supporting evidence is limited at this time, the clinical significance of this alteration remains unclear.

NM_002734.5(PRKAR1A):c.7T>C (p.Ser3Pro)

Gene: PRKAR1A (protein kinase cAMP-dependent type I regulatory subunit alpha; plus strand). Cytogenetic location: 17q24.2.
Variant type: single nucleotide variant.
Coding change: c.7T>C on transcript NM_002734.5 (MANE Select); coding-DNA position 7, T replaced by C.
Protein change: p.Ser3Pro; replaces serine 3 with proline.
Molecular consequence: missense variant.
Genome position (GRCh38, 1-based): chr17:68,515,406, T>C. VCF-style: chr17-68515406-T-C. GRCh37 (hg19) VCF-style: chr17-66511547-T-C.
Other names: c.7T>C, p.Ser3Pro (NM_001276289.2, NM_001276290.1, NM_001278433.2 and 4 more transcripts); short protein forms S3P.
Identifiers: ClinVar variation 3222775 (VCV003222775.1), dbSNP rs1488444958, ClinGen allele CA400751769.